The following is an entry in ClinVar:

NM_005121.3(MED13):c.1283+5A>G

Gene: MED13 (mediator complex subunit 13; minus strand). Cytogenetic location: 17q23.2.
Variant type: single nucleotide variant.
Coding change: c.1283+5A>G on transcript NM_005121.3 (MANE Select); 5 bases into the intron after coding-DNA position 1283, A replaced by G.
Molecular consequence: intron variant.
Genome position (GRCh38, 1-based): chr17:62,029,536, T>C on the plus strand (A>G on the coding strand, the complement: MED13 is on the minus strand). VCF-style: chr17-62029536-T-C. GRCh37 (hg19) VCF-style: chr17-60106897-T-C.
Identifiers: ClinVar variation 2224541 (VCV002224541.2), dbSNP rs761698818, ClinGen allele CA8693104.

ClinVar aggregate classification (germline): Uncertain significance (1 of 4 stars; one submission).

Conditions:
Inborn genetic diseases. Identifiers: MedGen C0950123, MeSH D030342.

Allele frequency attached by ClinVar (database versions not stated): ExAC 0.00001; gnomAD exomes 0.00002; gnomAD 0.00003; TOPMed 0.00003.
gnomAD v4.1: 37 of 1,610,038 alleles (0.0023%); highest among the groups gnomAD compares: Non-Finnish European, 0.0031%; no homozygotes.

Submission:

Ambry Genetics
Classification: Uncertain significance for Inborn genetic diseases. Last evaluated: 2021-12-15. Review status: criteria provided, single submitter. Criteria: Ambry Variant Classification Scheme 2023. Collection method: clinical testing. Allele origin: germline.
Comment: The c.1283+5A>G intronic alteration consists of a A to G substitution nucleotides after coding exon 8 in the MED13 gene. Based on insufficient or conflicting evidence, the clinical significance of this alteration remains unclear.